The following is an entry in ClinVar:

NM_000179.3(MSH6):c.702G>A (p.Lys234=)

Gene: MSH6 (mutS homolog 6; plus strand). Cytogenetic location: 2p16.3.
Variant type: single nucleotide variant.
Coding change: c.702G>A on transcript NM_000179.3 (MANE Select); coding-DNA position 702, G replaced by A.
Protein change: p.Lys234=; no amino-acid change (lysine 234 retained).
Molecular consequence: synonymous variant. On other transcripts: 5 prime UTR variant (9), non-coding transcript variant (4), intron variant (1).
Genome position (GRCh38, 1-based): chr2:47,798,685, G>A. VCF-style: chr2-47798685-G-A. GRCh37 (hg19) VCF-style: chr2-48025824-G-A.
Other names: c.405G>A, p.Lys135= (NM_001406827.1, NM_001406828.1, NM_001406830.1 and 10 more transcripts); c.-205G>A (NM_001406829.1, NM_001406815.1, NM_001406816.1 and 6 more transcripts); c.628-1981G>A (NM_001407362.1); c.702G>A, p.Lys234= (NM_001406817.1, NM_001406808.1, NM_001406809.1 and 4 more transcripts); c.534G>A, p.Lys178= (NM_001406826.1); c.708G>A, p.Lys236= (NM_001406813.1); c.312G>A, p.Lys104= (NM_001281492.2); c.798G>A, p.Lys266= (NM_001406795.1, NM_001406802.1); and 2 more.
Identifiers: ClinVar variation 3711358 (VCV003711358.3).

ClinVar aggregate classification (germline): Benign/Likely benign. Review status: criteria provided, multiple submitters, no conflicts (2 of 4 stars). 2 submissions from 2 submitters: Benign (1); Likely benign (1). Last evaluated 2024-12-19.

Conditions:
Hereditary nonpolyposis colorectal neoplasms. Identifiers: MedGen C0009405, MeSH D003123.
Lynch syndrome 5 (LYNCH5). Also called: Colorectal cancer, hereditary nonpolyposis, type 5; Hereditary non-polyposis colorectal cancer, type 5. Identifiers: Orphanet 144, MedGen C1833477, MONDO:0013710, OMIM 614350. Disease mechanism: loss of function.

Submissions (2):

Myriad Genetics, Inc.
Classification: Benign for Lynch syndrome 5. Last evaluated: 2024-12-19. Review status: criteria provided, single submitter. Criteria: Myriad Autosomal Dominant, Autosomal Recessive and X-Linked Classification Criteria (2023). Collection method: clinical testing. Allele origin: unknown.
Comment: This variant is considered benign. This variant is a silent/synonymous amino acid change and it is not expected to impact splicing.

Labcorp Genetics (formerly Invitae), Labcorp
Classification: Likely benign for Hereditary nonpolyposis colorectal neoplasms. Last evaluated: 2024-03-28. Review status: criteria provided, single submitter. Criteria: Invitae Variant Classification Sherloc (09022015). Collection method: clinical testing. Allele origin: germline.